The following is an entry in ClinVar:

NM_000349.3(STAR):c.211C>G (p.Gln71Glu)

Gene: STAR (steroidogenic acute regulatory protein; minus strand). Cytogenetic location: 8p11.23.
Variant type: single nucleotide variant.
Coding change: c.211C>G on transcript NM_000349.3 (MANE Select); coding-DNA position 211, C replaced by G.
Protein change: p.Gln71Glu; replaces glutamine 71 with glutamic acid.
Molecular consequence: missense variant.
Genome position (GRCh38, 1-based): chr8:38,148,295, G>C on the plus strand (C>G on the coding strand, the complement: STAR is on the minus strand). VCF-style: chr8-38148295-G-C. GRCh37 (hg19) VCF-style: chr8-38005813-G-C.
Other names: short protein forms Q71E.
Identifiers: ClinVar variation 1492549 (VCV001492549.6), dbSNP rs1206007344, ClinGen allele CA370703069.

ClinVar aggregate classification (germline): Uncertain significance. Review status: criteria provided, multiple submitters, no conflicts (2 of 4 stars). 2 submissions from 2 submitters: Uncertain significance (2). Last evaluated 2024-06-01.

Conditions:
Congenital lipoid adrenal hyperplasia due to STAR deficency. Also called: Cholesterol monooxygenase (side-chain cleaving) deficiency; Congenital Lipoid Adrenal Hyperplasia; ADRENAL HYPERPLASIA I; Lipoid adrenal hyperplasia. Identifiers: Orphanet 418, Orphanet 90790, MedGen C0342474, MONDO:0008725, OMIM 201710.

Allele frequency attached by ClinVar (database versions not stated): gnomAD 0.00001; TOPMed 0.00001; gnomAD exomes 0.00002.
gnomAD v4.1: 32 of 1,613,942 alleles (0.002%); highest among the groups gnomAD compares: Non-Finnish European, 0.0026%; no homozygotes.

Submissions (2):

Fulgent Genetics
Classification: Uncertain significance for Congenital lipoid adrenal hyperplasia due to STAR deficency. Last evaluated: 2024-06-01. Review status: criteria provided, single submitter. Criteria: ACMG Guidelines, 2015. Collection method: clinical testing. Allele origin: germline.

Labcorp Genetics (formerly Invitae), Labcorp
Classification: Uncertain significance. Last evaluated: 2021-08-27. Review status: criteria provided, single submitter. Criteria: Invitae Variant Classification Sherloc (09022015). Collection method: clinical testing. Allele origin: germline.
Comment: This sequence change replaces glutamine with glutamic acid at codon 71 of the STAR protein (p.Gln71Glu). The glutamine residue is moderately conserved and there is a small physicochemical difference between glutamine and glutamic acid. This variant is not present in population databases (ExAC no frequency). This variant has not been reported in the literature in individuals affected with STAR-related conditions. Algorithms developed to predict the effect of missense changes on protein structure and function (SIFT, PolyPhen-2, Align-GVGD) all suggest that this variant is likely to be tolerated. In summary, the available evidence is currently insufficient to determine the role of this variant in disease. Therefore, it has been classified as a Variant of Uncertain Significance.